The following is an entry in ClinVar:

ClinVar aggregate classification (germline): Uncertain significance. Review status: criteria provided, multiple submitters, no conflicts (2 of 4 stars). 2 submissions from 2 submitters: Uncertain significance (2). Last evaluated 2022-10-12.

Allele frequency attached by ClinVar (database versions not stated): gnomAD exomes below 0.00001.

Submissions (2):

Revvity Omics, Revvity
Classification: Uncertain significance. Last evaluated: 2022-10-12. Review status: criteria provided, single submitter. Criteria: ACMG Guidelines, 2015. Collection method: clinical testing. Allele origin: germline.

Labcorp Genetics (formerly Invitae), Labcorp
Classification: Uncertain significance. Last evaluated: 2022-07-15. Review status: criteria provided, single submitter. Criteria: Invitae Variant Classification Sherloc (09022015). Collection method: clinical testing. Allele origin: germline.
Comment: This sequence change replaces valine, which is neutral and non-polar, with leucine, which is neutral and non-polar, at codon 349 of the PKLR protein (p.Val349Leu). This variant is not present in population databases (gnomAD no frequency). This variant has not been reported in the literature in individuals affected with PKLR-related conditions. Algorithms developed to predict the effect of missense changes on protein structure and function (SIFT, PolyPhen-2, Align-GVGD) all suggest that this variant is likely to be disruptive. In summary, the available evidence is currently insufficient to determine the role of this variant in disease. Therefore, it has been classified as a Variant of Uncertain Significance.

NM_000298.6(PKLR):c.1045G>C (p.Val349Leu)

Gene: PKLR (pyruvate kinase L/R; minus strand). Cytogenetic location: 1q22.
Variant type: single nucleotide variant.
Coding change: c.1045G>C on transcript NM_000298.6 (MANE Select); coding-DNA position 1045, G replaced by C.
Protein change: p.Val349Leu; replaces valine 349 with leucine.
Molecular consequence: missense variant.
Genome position (GRCh38, 1-based): chr1:155,294,306, C>G on the plus strand (G>C on the coding strand, the complement: PKLR is on the minus strand). VCF-style: chr1-155294306-C-G. GRCh37 (hg19) VCF-style: chr1-155264097-C-G.
Other names: c.952G>C, p.Val318Leu (NM_181871.4); short protein forms V318L, V349L.
Identifiers: ClinVar variation 1995275 (VCV001995275.7), dbSNP rs1647414487, ClinGen allele CA342753424.
Genomic context (GRCh38, chr1:155,294,306, plus strand): 5'-AGACAACAGGCTTGCCCGCCAAGTTGCAGCGCCCAATCATCATCTTCTGAGCCAGGAAAA[C>G]CTTCTCTGCTGGGATCTCGATGCCTAGGTCCCCCCGTGCCACCATGATGCCGTCGCTCAC-3'
Protein context (NP_000289.1, residues 339-359): DLGIEIPAEK[Val349Leu]FLAQKMMIGR